The following is an entry in ClinVar:

NM_001099274.3(TINF2):c.1025A>G (p.Glu342Gly)

Gene: TINF2 (TERF1 interacting nuclear factor 2; minus strand). Cytogenetic location: 14q12.
Variant type: single nucleotide variant.
Coding change: c.1025A>G on transcript NM_001099274.3 (MANE Select); coding-DNA position 1025, A replaced by G.
Protein change: p.Glu342Gly; replaces glutamic acid 342 with glycine.
Molecular consequence: missense variant.
Genome position (GRCh38, 1-based): chr14:24,240,455, T>C on the plus strand (A>G on the coding strand, the complement: TINF2 is on the minus strand). VCF-style: chr14-24240455-T-C. GRCh37 (hg19) VCF-style: chr14-24709661-T-C.
Other names: c.920A>G, p.Glu307Gly (NM_001363668.2); c.1025A>G, p.Glu342Gly (NM_012461.3); short protein forms E307G, E342G.
Identifiers: ClinVar variation 4707512 (VCV004707512.1).

ClinVar aggregate classification (germline): Uncertain significance (1 of 4 stars; one submission).

Conditions:
Dyskeratosis congenita. Identifiers: Orphanet 1775, MedGen C0265965, MONDO:0015780.

Submission:

Labcorp Genetics (formerly Invitae), Labcorp
Classification: Uncertain significance for Dyskeratosis congenita. Last evaluated: 2025-06-29. Review status: criteria provided, single submitter. Criteria: Invitae Variant Classification Sherloc (09022015). Collection method: clinical testing. Allele origin: germline.
Comment: This sequence change replaces glutamic acid, which is acidic and polar, with glycine, which is neutral and non-polar, at codon 342 of the TINF2 protein (p.Glu342Gly). This variant is not present in population databases (gnomAD no frequency). This variant has not been reported in the literature in individuals affected with TINF2-related conditions. An algorithm developed to predict the effect of missense changes on protein structure and function (PolyPhen-2) suggests that this variant is likely to be disruptive. In summary, the available evidence is currently insufficient to determine the role of this variant in disease. Therefore, it has been classified as a Variant of Uncertain Significance.